The following is an entry in ClinVar:

ClinVar aggregate classification (germline): Conflicting classifications of pathogenicity. Review status: criteria provided, conflicting classifications (1 of 4 stars). 13 submissions from 13 submitters: Uncertain significance (9); Likely benign (3). 1 of the submissions does not count toward it. Last evaluated 2025-12-09.

Conditions:
Endometrial carcinoma. Also called: Endometrial carcinoma, somatic. Identifiers: MedGen C0476089, MONDO:0002447, OMIM 608089, HP:0012114.
Lynch syndrome 5 (LYNCH5). Also called: Colorectal cancer, hereditary nonpolyposis, type 5; Hereditary non-polyposis colorectal cancer, type 5. Identifiers: Orphanet 144, MedGen C1833477, MONDO:0013710, OMIM 614350. Disease mechanism: loss of function.
Mismatch repair cancer syndrome 1 (MMRCS1). Also called: BRAIN TUMOR-POLYPOSIS SYNDROME 1; BTP1 SYNDROME; CHILDHOOD CANCER SYNDROME; MISMATCH REPAIR DEFICIENCY; MMR DEFICIENCY. Identifiers: Orphanet 252202, MedGen C5399763, MONDO:0010159, OMIM 276300. Disease mechanism: loss of function.
Lynch syndrome. Identifiers: Orphanet 144, MedGen C4552100, MONDO:0005835. Disease mechanism: loss of function.
MSH6-related disorder. Also called: MSH6-related condition; MSH6-Related disorders.
Hereditary nonpolyposis colorectal neoplasms. Identifiers: MedGen C0009405, MeSH D003123.
Hereditary cancer-predisposing syndrome. Also called: Hereditary Cancer Syndrome; Neoplastic Syndromes, Hereditary; Tumor predisposition; Hereditary neoplastic syndrome. Identifiers: Orphanet 140162, MedGen C0027672, MeSH D009386, MONDO:0015356.

gnomAD v4.1: 6 of 1,614,212 alleles (0.00037%); highest among the groups gnomAD compares: Admixed American, 0.005%; no homozygotes.

Submissions (13):

Labcorp Genetics (formerly Invitae), Labcorp
Classification: Likely benign for Hereditary nonpolyposis colorectal neoplasms. Last evaluated: 2025-12-09. Review status: criteria provided, single submitter. Criteria: Invitae Variant Classification Sherloc (09022015). Collection method: clinical testing. Allele origin: germline.

Mayo Clinic Laboratories, Mayo Clinic
Classification: Uncertain significance. Last evaluated: 2025-05-28. Review status: criteria provided, single submitter. Criteria: ACMG Guidelines, 2015. Collection method: clinical testing. Allele origin: germline. Observed: 1 variant allele.
Comment: BP4

Molecular Diagnostics Laboratory, Catalan Institute of Oncology
Classification: Uncertain significance for Hereditary cancer-predisposing syndrome. Last evaluated: 2025-03-16. Review status: criteria provided, single submitter. Criteria: ClinGen CRC ACMG Specifications MSH6 V1.0.0. Collection method: clinical testing. Allele origin: germline.
Comment: c.2183A>G, located in exon 4 of the MSH6 gene, is predicted to result in the substitution of lysine by arginine at codon 728, p.(Lys728Arg). This variant is found in 6/1614212 alleles at a frequency of 0,0003% in the gnomAD v4 database (PM2_Supporting). Computational tools for this variant suggest no significant impact on protein function (MAPP+PolyPhen-2 prior probability for pathogenicity: 0.0006) and the SpliceAI algorithm predicts no significant impact on splicing (BP4). To our knowledge, neither relevant clinical data nor well-established functional studies have been reported for this variant. This variant has been reported in the ClinVar database (2x likely benign, 6x uncertain significance), in LOVD (1x unclassified) and has not been classified in the InSiGHT database. Based on currently available information, the variant c.2183A>G should be considered an uncertain significance variant according to ClinGen CRC ACMG Specifications MSH6 v1.0.0.

Myriad Genetics, Inc.
Classification: Likely benign for Lynch syndrome 5. Last evaluated: 2024-12-30. Review status: criteria provided, single submitter. Criteria: Myriad Autosomal Dominant, Autosomal Recessive and X-Linked Classification Criteria (2023). Collection method: clinical testing. Allele origin: unknown.
Comment: This variant is considered likely benign. Homozygosity for this variant has been confirmed in one or more individuals lacking clinical features consistent with gene-specific recessive disease, indicating that this variant is unlikely to be pathogenic.

Department of Pathology and Laboratory Medicine, Sinai Health System
Classification: Uncertain significance for Lynch syndrome. Last evaluated: 2024-01-23. Review status: criteria provided, single submitter. Criteria: ACMG Guidelines, 2015. Collection method: clinical testing. Allele origin: germline. Affected: yes.

Baylor Genetics
Classification: Uncertain significance for Endometrial carcinoma. Last evaluated: 2024-01-14. Review status: criteria provided, single submitter. Criteria: ACMG Guidelines, 2015. Collection method: clinical testing. Allele origin: unknown.

All of Us Research Program, National Institutes of Health
Classification: Uncertain significance for Lynch syndrome. Last evaluated: 2023-06-08. Review status: criteria provided, single submitter. Criteria: ACMG Guidelines, 2015. Collection method: clinical testing. Allele origin: germline. Inheritance: Autosomal dominant inheritance. Observed: 2 variant alleles, 2 heterozygotes.
Comment: This missense variant replaces lysine with arginine at codon 728 of the MSH6 protein. Computational prediction suggests that this variant may not impact protein structure and function (internally defined REVEL score threshold <= 0.5, PMID: 27666373). To our knowledge, functional studies have not been performed for this variant. This variant has not been reported in individuals affected with hereditary cancer in the literature. This variant has been identified in 3/250944 chromosomes in the general population by the Genome Aggregation Database (gnomAD). The available evidence is insufficient to determine the role of this variant in disease conclusively. Therefore, this variant is classified as a Variant of Uncertain Significance.

This study involves interpretation of variants in research participants for the purpose of population health screening. Participant phenotype was not available at the time of variant classification. Additional details can be found in publication PMID: 35346344, PMCID: PMC8962531

Color Diagnostics, LLC DBA Color Health
Classification: Uncertain significance for Hereditary cancer-predisposing syndrome. Last evaluated: 2023-04-17. Review status: criteria provided, single submitter. Criteria: ACMG Guidelines, 2015. Collection method: clinical testing. Allele origin: germline.
Comment: This missense variant replaces lysine with arginine at codon 728 of the MSH6 protein. Computational prediction suggests that this variant may not impact protein structure and function (internally defined REVEL score threshold <= 0.5, PMID: 27666373). To our knowledge, functional studies have not been reported for this variant. This variant has been reported in an individual affected with rectal cancer (PMID: 25559809). This variant has been identified in 3/250944 chromosomes in the general population by the Genome Aggregation Database (gnomAD). The available evidence is insufficient to determine the role of this variant in disease conclusively. Therefore, this variant is classified as a Variant of Uncertain Significance.

Ambry Genetics
Classification: Likely benign for Hereditary cancer-predisposing syndrome. Last evaluated: 2022-10-13. Review status: criteria provided, single submitter. Criteria: Ambry Variant Classification Scheme 2023. Collection method: clinical testing. Allele origin: germline.

Sema4
Classification: Uncertain significance for Hereditary cancer-predisposing syndrome. Last evaluated: 2022-02-04. Review status: criteria provided, single submitter. Criteria: Sema4 Curation Guidelines. Collection method: curation. Allele origin: germline.
Comment: The MSH6 c.2183A>G (p.K728R) variant has not been reported in individuals with MSH6-related disease. It was observed in 2/34584 chromosomes of the Latino subpopulation in the large and broad cohorts of the Genome Aggregation Database (PMID: 32461654). This variant has been reported in ClinVar (Variation ID 479867). Functional studies have not been performed, and in silico predictions of the variant's effect on protein function are inconclusive. The evidence is insufficient to meet ACMG/AMP criteria for classifying the variant as benign or pathogenic. Thus, the clinical significance of this variant is currently uncertain.

GeneDx
Classification: Uncertain significance. Last evaluated: 2019-10-28. Review status: criteria provided, single submitter. Criteria: GeneDx Variant Classification Process June 2021. Collection method: clinical testing. Allele origin: germline. Affected: yes.
Comment: Not observed at a significant frequency in large population cohorts (Lek 2016); In silico analysis, which includes protein predictors and evolutionary conservation, supports that this variant does not alter protein structure/function; Observed in individuals with colorectal cancer (Chubb 2015); This variant is associated with the following publications: (PMID: 25559809)

Fulgent Genetics
Classification: Uncertain significance for Mismatch repair cancer syndrome 1; Endometrial carcinoma; Lynch syndrome 5. Last evaluated: 2018-10-31. Review status: criteria provided, single submitter. Criteria: ACMG Guidelines, 2015. Collection method: clinical testing. Allele origin: unknown.

PreventionGenetics, part of Exact Sciences
Classification: Uncertain significance for MSH6-related condition. Last evaluated: 2024-06-11. Review status: no assertion criteria provided. Collection method: clinical testing. Allele origin: germline. Not counted in ClinVar's aggregate classification.
Comment: The MSH6 c.2183A>G variant is predicted to result in the amino acid substitution p.Lys728Arg. This variant was reported in an individual with breast and/or ovarian cancer and in an individual with rectal cancer (Molina-Zayas et al. 2022. PubMed ID: 35451682; Chubb D et al. 2015. PubMed ID: 25559809). This variant is reported in 0.0058% of alleles in individuals of Latino descent in gnomAD. This variant has conflicting interpretations in ClinVar from uncertain significance to likely benign. At this time, the clinical significance of this variant is uncertain due to the absence of conclusive functional and genetic evidence.

Literature cited by the submitters: PubMed 25559809 (cited by Mayo Clinic Laboratories, Mayo Clinic and Color Diagnostics, LLC DBA Color Health).

NM_000179.3(MSH6):c.2183A>G (p.Lys728Arg)

Gene: MSH6 (mutS homolog 6; plus strand). Cytogenetic location: 2p16.3.
Variant type: single nucleotide variant.
Coding change: c.2183A>G on transcript NM_000179.3 (MANE Select); coding-DNA position 2183, A replaced by G.
Protein change: p.Lys728Arg; replaces lysine 728 with arginine.
Molecular consequence: missense variant.
Genome position (GRCh38, 1-based): chr2:47,800,166, A>G. VCF-style: chr2-47800166-A-G. GRCh37 (hg19) VCF-style: chr2-48027305-A-G.
Other names: p.Lys728Arg; c.1793A>G, p.Lys598Arg (NM_001281492.2); c.1277A>G, p.Lys426Arg (NM_001281493.2, NM_001281494.2); short protein forms K728R, K598R, K426R.
Identifiers: ClinVar variation 479867 (VCV000479867.33), dbSNP rs35552856, ClinGen allele CA068575.